The following is an entry in ClinVar:

ClinVar aggregate classification (germline): Uncertain significance (1 of 4 stars; one submission).

Submission:

GeneDx
Classification: Uncertain significance. Last evaluated: 2022-04-18. Review status: criteria provided, single submitter. Criteria: GeneDx Variant Classification Process June 2021. Collection method: clinical testing. Allele origin: germline. Affected: yes.
Comment: Not observed at significant frequency in large population cohorts (gnomAD); In silico analysis supports that this missense variant has a deleterious effect on protein structure/function; Has not been previously published as pathogenic or benign to our knowledge

NM_000218.3(KCNQ1):c.788T>A (p.Ile263Lys)

Gene: KCNQ1 (potassium voltage-gated channel subfamily Q member 1; plus strand). Cytogenetic location: 11p15.5.
Variant type: single nucleotide variant.
Coding change: c.788T>A on transcript NM_000218.3 (MANE Select); coding-DNA position 788, T replaced by A.
Protein change: p.Ile263Lys; replaces isoleucine 263 with lysine.
Molecular consequence: missense variant.
Genome position (GRCh38, 1-based): chr11:2,572,853, T>A. VCF-style: chr11-2572853-T-A. GRCh37 (hg19) VCF-style: chr11-2594083-T-A.
Other names: c.788T>A, p.Ile263Lys (NM_001406836.1); c.518T>A, p.Ile173Lys (NM_001406837.1); c.407T>A, p.Ile136Lys (NM_181798.2); short protein forms I136K, I173K, I263K.
Identifiers: ClinVar variation 1723040 (VCV001723040.2), dbSNP rs2493673724, ClinGen allele CA379131268.